The following is an entry in ClinVar:

NM_004629.2(FANCG):c.1204G>A (p.Val402Ile)

Gene: FANCG (FA complementation group G; minus strand). Cytogenetic location: 9p13.3.
Variant type: single nucleotide variant.
Coding change: c.1204G>A on transcript NM_004629.2 (MANE Select); coding-DNA position 1204, G replaced by A.
Protein change: p.Val402Ile; replaces valine 402 with isoleucine.
Molecular consequence: missense variant.
Genome position (GRCh38, 1-based): chr9:35,075,694, C>T on the plus strand (G>A on the coding strand, the complement: FANCG is on the minus strand). VCF-style: chr9-35075694-C-T. GRCh37 (hg19) VCF-style: chr9-35075691-C-T.
Other names: short protein forms V402I.
Identifiers: ClinVar variation 3848398 (VCV003848398.1).
Genomic context (GRCh38, chr9:35,075,694, plus strand): 5'-TGAGCAACTCCTCACATAGAGTCAAGGCATCTTGGGCTCTGCCTGCCTGGATCAGTGCTA[C>T]CGCTGCCTCCAAAAACACCTCAGGCATACAGGGCCCTGGAGGGGAGGGGGGTGGGGAGAA-3'
Protein context (NP_004620.1, residues 392-412): CMPEVFLEAA[Val402Ile]ALIQAGRAQD

ClinVar aggregate classification (germline): Uncertain significance (1 of 4 stars; one submission).

Conditions:
Inborn genetic diseases. Identifiers: MedGen C0950123, MeSH D030342.

Submission:

Ambry Genetics
Classification: Uncertain significance for Inborn genetic diseases. Last evaluated: 2025-01-06. Review status: criteria provided, single submitter. Criteria: Ambry Variant Classification Scheme 2023. Collection method: clinical testing. Allele origin: germline.
Comment: The p.V402I variant (also known as c.1204G>A), located in coding exon 10 of the FANCG gene, results from a G to A substitution at nucleotide position 1204. The valine at codon 402 is replaced by isoleucine, an amino acid with highly similar properties. This amino acid position is conserved. In addition, this alteration is predicted to be tolerated by in silico analysis. Based on the available evidence, the clinical significance of this variant remains unclear.